The following is an entry in ClinVar:

ClinVar aggregate classification (germline): Uncertain significance. Review status: criteria provided, multiple submitters, no conflicts (2 of 4 stars). 2 submissions from 2 submitters: Uncertain significance (2). Last evaluated 2024-08-12.

Conditions:
Inborn genetic diseases. Identifiers: MedGen C0950123, MeSH D030342.

Allele frequency attached by ClinVar (database versions not stated): ExAC 0.00003; gnomAD exomes 0.00007; TOPMed 0.00008; gnomAD 0.00011.
gnomAD v4.1: 61 of 1,613,806 alleles (0.0038%); highest among the groups gnomAD compares: Admixed American, 0.097%; 1 homozygote.

Submissions (2):

Ambry Genetics
Classification: Uncertain significance for Inborn genetic diseases. Last evaluated: 2024-08-12. Review status: criteria provided, single submitter. Criteria: Ambry Variant Classification Scheme 2023. Collection method: clinical testing. Allele origin: germline.

GeneDx
Classification: Uncertain significance. Last evaluated: 2022-02-21. Review status: criteria provided, single submitter. Criteria: GeneDx Variant Classification Process June 2021. Collection method: clinical testing. Allele origin: germline. Affected: yes.
Comment: In silico analysis supports that this missense variant does not alter protein structure/function; Has not been previously published as pathogenic or benign to our knowledge

NM_002016.2(FLG):c.5618A>G (p.Gln1873Arg)

Genes: CCDST (cervical cancer associated DHX9 suppressive transcript; plus strand), FLG (filaggrin; minus strand). Cytogenetic location: 1q21.3.
Variant type: single nucleotide variant.
Coding change: c.5618A>G on transcript NM_002016.2 (MANE Select); coding-DNA position 5618, A replaced by G.
Protein change: p.Gln1873Arg; replaces glutamine 1873 with arginine.
Molecular consequence: missense variant.
Genome position (GRCh38, 1-based): chr1:152,309,268, T>C on the plus strand (A>G on the coding strand, the complement: FLG is on the minus strand). VCF-style: chr1-152309268-T-C. GRCh37 (hg19) VCF-style: chr1-152281744-T-C.
Other names: short protein forms Q1873R.
Identifiers: ClinVar variation 1704193 (VCV001704193.3), dbSNP rs763820426, ClinGen allele CA1105684.
Genomic context (GRCh38, chr1:152,309,268, plus strand): 5'-TCGGCCCGAGAGGAAGCTTCATGGTGACGCGACCCTGAGTGCCTGGAGCCGTCTCCTGAT[T>C]GTTTCTCATTACGTGTTTGTCTGCTGACACTTCTGGATCCTGACTGCCCACGGGAGACAT-3'
Protein context (NP_002007.1, residues 1863-1883): SVSRQTRNEK[Gln1873Arg]SGDGSRHSGS